The following is an entry in ClinVar:

ClinVar aggregate classification (germline): Uncertain significance. Review status: criteria provided, multiple submitters, no conflicts (2 of 4 stars). 2 submissions from 2 submitters: Uncertain significance (2). Last evaluated 2025-07-25.

Conditions:
Hereditary cancer-predisposing syndrome. Also called: Neoplastic Syndromes, Hereditary; Tumor predisposition; Hereditary neoplastic syndrome; Hereditary Cancer Syndrome. Identifiers: Orphanet 140162, MedGen C0027672, MeSH D009386, MONDO:0015356.
Haddad syndrome (OHD). Also called: Ondine-Hirschsprung disease. Identifiers: Orphanet 99803, MedGen C1859049, MONDO:0020493.

Allele frequency attached by ClinVar (database versions not stated): gnomAD exomes below 0.00001; ExAC 0.00001.
gnomAD v4.1: 1 of 1,605,766 alleles (0.000062%); highest among the groups gnomAD compares: Non-Finnish European, 0.000085%; no homozygotes.

Submissions (2):

Ambry Genetics
Classification: Uncertain significance for Hereditary cancer-predisposing syndrome. Last evaluated: 2025-07-25. Review status: criteria provided, single submitter. Criteria: Ambry Variant Classification Scheme 2023. Collection method: clinical testing. Allele origin: germline.
Comment: The p.P206S variant (also known as c.616C>T), located in coding exon 3 of the PHOX2B gene, results from a C to T substitution at nucleotide position 616. The proline at codon 206 is replaced by serine, an amino acid with similar properties. This amino acid position is well conserved in available vertebrate species. In addition, this alteration is predicted to be tolerated by in silico analysis. Based on the available evidence, the clinical significance of this variant remains unclear.

Labcorp Genetics (formerly Invitae), Labcorp
Classification: Uncertain significance for Haddad syndrome. Last evaluated: 2021-08-04. Review status: criteria provided, single submitter. Criteria: Invitae Variant Classification Sherloc (09022015). Collection method: clinical testing. Allele origin: germline.
Comment: In summary, the available evidence is currently insufficient to determine the role of this variant in disease. Therefore, it has been classified as a Variant of Uncertain Significance. Algorithms developed to predict the effect of missense changes on protein structure and function are either unavailable or do not agree on the potential impact of this missense change (SIFT: "Tolerated"; PolyPhen-2: "Not Available"; Align-GVGD: "Class C0"). This variant has not been reported in the literature in individuals affected with PHOX2B-related conditions. This variant is present in population databases (rs754754489, ExAC 0.002%). This sequence change replaces proline with serine at codon 206 of the PHOX2B protein (p.Pro206Ser). The proline residue is moderately conserved and there is a moderate physicochemical difference between proline and serine.

NM_003924.4(PHOX2B):c.616C>T (p.Pro206Ser)

Gene: PHOX2B (paired like homeobox 2B; minus strand). Cytogenetic location: 4p13.
Variant type: single nucleotide variant.
Coding change: c.616C>T on transcript NM_003924.4 (MANE Select); coding-DNA position 616, C replaced by T.
Protein change: p.Pro206Ser; replaces proline 206 with serine.
Molecular consequence: missense variant.
Genome position (GRCh38, 1-based): chr4:41,746,136, G>A on the plus strand (C>T on the coding strand, the complement: PHOX2B is on the minus strand). VCF-style: chr4-41746136-G-A. GRCh37 (hg19) VCF-style: chr4-41748153-G-A.
Other names: short protein forms P206S.
Identifiers: ClinVar variation 1364611 (VCV001364611.9), dbSNP rs754754489, ClinGen allele CA2901474.
Genomic context (GRCh38, chr4:41,746,136, plus strand): 5'-CCCCCGGAGCTCCAGCCGGGCTGGGCCCGCCGCCGCCGCCTCCATTCGCCCCGCAGCTGG[G>A]GGTGGGGTTGGGATTGGGACCTGGGCCCCCAGTGCTGTCCGGGTCAGTGCTCTTGGCCTC-3'
Protein context (NP_003915.2, residues 196-216): GGPGPNPNPT[Pro206Ser]SCGANGGGGG